The following is an entry in ClinVar:

ClinVar aggregate classification (germline): Uncertain significance (1 of 4 stars; one submission).

Submission:

GeneDx
Classification: Uncertain significance. Last evaluated: 2023-07-18. Review status: criteria provided, single submitter. Criteria: GeneDx Variant Classification Process June 2021. Collection method: clinical testing. Allele origin: germline. Affected: yes.
Comment: Not observed at significant frequency in large population cohorts (gnomAD); In silico analysis supports a deleterious effect on splicing; Has not been previously published as pathogenic or benign to our knowledge

NM_014874.4(MFN2):c.2205-6T>G

Gene: MFN2 (mitofusin 2; plus strand). Cytogenetic location: 1p36.22.
Variant type: single nucleotide variant.
Coding change: c.2205-6T>G on transcript NM_014874.4 (MANE Select); 6 bases into the intron before coding-DNA position 2205, T replaced by G.
Molecular consequence: intron variant.
Genome position (GRCh38, 1-based): chr1:12,011,490, T>G. VCF-style: chr1-12011490-T-G. GRCh37 (hg19) VCF-style: chr1-12071547-T-G.
Other names: c.2205-6T>G (NM_001127660.2).
Identifiers: ClinVar variation 3361162 (VCV003361162.1).